The following is an entry in ClinVar:

ClinVar aggregate classification (germline): Uncertain significance (1 of 4 stars; one submission).

Conditions:
Inborn genetic diseases. Identifiers: MedGen C0950123, MeSH D030342.

Submission:

Ambry Genetics
Classification: Uncertain significance for Inborn genetic diseases. Last evaluated: 2023-10-10. Review status: criteria provided, single submitter. Criteria: Ambry Variant Classification Scheme 2023. Collection method: clinical testing. Allele origin: germline.
Comment: The p.C609W variant (also known as c.1827T>G), located in coding exon 15 of the BUB1B gene, results from a T to G substitution at nucleotide position 1827. The cysteine at codon 609 is replaced by tryptophan, an amino acid with highly dissimilar properties. This amino acid position is conserved. In addition, the in silico prediction for this alteration is inconclusive. Since supporting evidence is limited at this time, the clinical significance of this alteration remains unclear.

NM_001211.6(BUB1B):c.1827T>G (p.Cys609Trp)

Gene: BUB1B (BUB1 mitotic checkpoint serine/threonine kinase B; plus strand). Cytogenetic location: 15q15.1.
Variant type: single nucleotide variant.
Coding change: c.1827T>G on transcript NM_001211.6 (MANE Select); coding-DNA position 1827, T replaced by G.
Protein change: p.Cys609Trp; replaces cysteine 609 with tryptophan.
Molecular consequence: missense variant.
Genome position (GRCh38, 1-based): chr15:40,206,276, T>G. VCF-style: chr15-40206276-T-G. GRCh37 (hg19) VCF-style: chr15-40498477-T-G.
Other names: short protein forms C609W.
Identifiers: ClinVar variation 3221363 (VCV003221363.1), dbSNP rs2542564795, ClinGen allele CA391692480.